The following is an entry in ClinVar:

ClinVar aggregate classification (germline): Conflicting classifications of pathogenicity. Review status: criteria provided, conflicting classifications (1 of 4 stars). 5 submissions from 5 submitters: Uncertain significance (1); Likely benign (4). Last evaluated 2025-11-25.

Conditions:
Cardiovascular phenotype. Identifiers: MedGen CN230736.
Hypertrophic cardiomyopathy 2. Also called: TNNT2-Related Familial Hypertrophic Cardiomyopathy. Identifiers: MedGen C1861864, MONDO:0007266, OMIM 115195.
Dilated cardiomyopathy 1D. Identifiers: Orphanet 154, Orphanet 54260, MedGen C1832243, MONDO:0011095, OMIM 601494.
Cardiomyopathy, familial restrictive, 3. Identifiers: Orphanet 75249, MedGen C2676271, MONDO:0012900, OMIM 612422.
Cardiomyopathy (CMYO). Also called: Cardiomyopathies. Identifiers: Orphanet 167848, MedGen C0878544, MONDO:0004994, HP:0001638. Inheritance: Various modes of inheritance.

Allele frequency attached by ClinVar (database versions not stated): ExAC 0.00002; gnomAD exomes 0.00002 and 0.00004; TOPMed 0.00002.
gnomAD v4.1: 12 of 1,613,698 alleles (0.00074%); highest among the groups gnomAD compares: Admixed American, 0.02%; no homozygotes.

Submissions (5):

Labcorp Genetics (formerly Invitae), Labcorp
Classification: Likely benign for Cardiomyopathy, familial restrictive, 3; Hypertrophic cardiomyopathy 2; Dilated cardiomyopathy 1D. Last evaluated: 2025-11-25. Review status: criteria provided, single submitter. Criteria: Invitae Variant Classification Sherloc (09022015). Collection method: clinical testing. Allele origin: germline.

Color Diagnostics, LLC DBA Color Health
Classification: Likely benign for Cardiomyopathy. Last evaluated: 2024-07-24. Review status: criteria provided, single submitter. Criteria: ACMG Guidelines, 2015. Collection method: clinical testing. Allele origin: germline.

All of Us Research Program, National Institutes of Health
Classification: Uncertain significance for Cardiomyopathy. Last evaluated: 2024-01-11. Review status: criteria provided, single submitter. Criteria: ACMG Guidelines, 2015. Collection method: clinical testing. Allele origin: germline. Inheritance: Autosomal dominant inheritance. Observed: 4 variant alleles, 4 heterozygotes.
Comment: This variant causes a T to G nucleotide substitution at the -5 position of intron 13 of the TNNT2 gene. Splice site prediction tools are inconclusive regarding the impact of this variant on RNA splicing. To our knowledge, functional studies have not been reported for this variant. This variant has not been reported in individuals affected with TNNT2-related disorders in the literature. This variant has been identified in 10/251456 chromosomes in the general population by the Genome Aggregation Database (gnomAD). The available evidence is insufficient to determine the role of this variant in disease conclusively. Therefore, this variant is classified as a Variant of Uncertain Significance.

This study involves interpretation of variants in research participants for the purpose of population health screening. Participant phenotype was not available at the time of variant classification. Additional details can be found in publication PMID: 35346344, PMCID: PMC8962531

Ambry Genetics
Classification: Likely benign for Cardiovascular phenotype. Last evaluated: 2021-06-15. Review status: criteria provided, single submitter. Criteria: Ambry Variant Classification Scheme 2023. Collection method: clinical testing. Allele origin: germline.

GeneDx
Classification: Likely benign. Last evaluated: 2012-04-11. Review status: criteria provided, single submitter. Criteria: GeneDx Variant Classification (06012015). Collection method: clinical testing. Allele origin: germline. Affected: yes.
Comment: This variant is considered likely benign or benign based on one or more of the following criteria: it is a conservative change, it occurs at a poorly conserved position in the protein, it is predicted to be benign by multiple in silico algorithms, and/or has population frequency not consistent with disease.

NM_001276345.2(TNNT2):c.720-5T>G

Gene: TNNT2 (troponin T2, cardiac type; minus strand). Cytogenetic location: 1q32.1.
Variant type: single nucleotide variant.
Coding change: c.720-5T>G on transcript NM_001276345.2 (MANE Select); 5 bases into the intron before coding-DNA position 720, T replaced by G.
Molecular consequence: intron variant.
Genome position (GRCh38, 1-based): chr1:201,361,374, A>C on the plus strand (T>G on the coding strand, the complement: TNNT2 is on the minus strand). VCF-style: chr1-201361374-A-C. GRCh37 (hg19) VCF-style: chr1-201330502-A-C.
Other names: c.672-5T>G (NM_001001432.3); c.681-5T>G (NM_001001431.3); c.690-5T>G (NM_001001430.3, NM_001276347.2); c.591-5T>G (NM_001276346.2); c.711-5T>G (NM_000364.4).
Identifiers: ClinVar variation 181605 (VCV000181605.21), dbSNP rs730881092, ClinGen allele CA004985.